The following is an entry in ClinVar:

ClinVar aggregate classification (germline): Uncertain significance (1 of 4 stars; one submission).

Submission:

GeneDx
Classification: Uncertain significance. Last evaluated: 2026-04-24. Review status: criteria provided, single submitter. Criteria: GeneDx Variant Classification Process June 2021. Collection method: clinical testing. Allele origin: germline.
Comment: Not observed at significant frequency in large population cohorts (gnomAD); In silico analysis supports that this missense variant has a deleterious effect on protein structure/function; Has not been previously published as pathogenic or benign to our knowledge

NM_024665.7(TBL1XR1):c.778A>T (p.Ser260Cys)

Genes: TBL1XR1 (TBL1X/Y related 1; minus strand), TBL1XR1-AS1 (TBL1XR1 antisense RNA 1; plus strand). Cytogenetic location: 3q26.32.
Variant type: single nucleotide variant.
Coding change: c.778A>T on transcript NM_024665.7 (MANE Select); coding-DNA position 778, A replaced by T.
Protein change: p.Ser260Cys; replaces serine 260 with cysteine.
Molecular consequence: missense variant.
Genome position (GRCh38, 1-based): chr3:177,047,386, T>A on the plus strand (A>T on the coding strand, the complement: TBL1XR1 is on the minus strand). VCF-style: chr3-177047386-T-A. GRCh37 (hg19) VCF-style: chr3-176765174-T-A.
Other names: c.778A>T, p.Ser260Cys (NM_001321193.3, NM_001321194.3, NM_001374327.1 and 2 more transcripts); c.517A>T, p.Ser173Cys (NM_001321195.3, NM_001374330.1); short protein forms S173C, S260C.
Identifiers: ClinVar variation 5037646 (VCV005037646.1).